The following is an entry in ClinVar:

ClinVar aggregate classification (germline): Uncertain significance. Review status: criteria provided, multiple submitters, no conflicts (2 of 4 stars). 2 submissions from 2 submitters: Uncertain significance (2). Last evaluated 2024-01-03.

Allele frequency attached by ClinVar (database versions not stated): gnomAD exomes below 0.00001; gnomAD 0.00001.
gnomAD v4.1: 2 of 1,612,292 alleles (0.00012%); highest among the groups gnomAD compares: Non-Finnish European, 0.00017%; no homozygotes.

Submissions (2):

Ambry Genetics
Classification: Uncertain significance. Last evaluated: 2024-01-03. Review status: criteria provided, single submitter. Criteria: Ambry Variant Classification Scheme 2023. Collection method: clinical testing. Allele origin: germline.

Labcorp Genetics (formerly Invitae), Labcorp
Classification: Uncertain significance. Last evaluated: 2022-06-27. Review status: criteria provided, single submitter. Criteria: Invitae Variant Classification Sherloc (09022015). Collection method: clinical testing. Allele origin: germline.
Comment: This sequence change replaces asparagine, which is neutral and polar, with aspartic acid, which is acidic and polar, at codon 17 of the LIPN protein (p.Asn17Asp). This variant is not present in population databases (gnomAD no frequency). This variant has not been reported in the literature in individuals affected with LIPN-related conditions. Algorithms developed to predict the effect of missense changes on protein structure and function (SIFT, PolyPhen-2, Align-GVGD) all suggest that this variant is likely to be tolerated. Algorithms developed to predict the effect of sequence changes on RNA splicing suggest that this variant may create or strengthen a splice site. In summary, the available evidence is currently insufficient to determine the role of this variant in disease. Therefore, it has been classified as a Variant of Uncertain Significance.

NM_001102469.2(LIPN):c.49A>G (p.Asn17Asp)

Gene: LIPN (lipase family member N; plus strand). Cytogenetic location: 10q23.31.
Variant type: single nucleotide variant.
Coding change: c.49A>G on transcript NM_001102469.2 (MANE Select); coding-DNA position 49, A replaced by G.
Protein change: p.Asn17Asp; replaces asparagine 17 with aspartic acid.
Molecular consequence: missense variant.
Genome position (GRCh38, 1-based): chr10:88,761,454, A>G. VCF-style: chr10-88761454-A-G. GRCh37 (hg19) VCF-style: chr10-90521211-A-G.
Other names: c.49A>G (NM_001102469.1); short protein forms N17D.
Identifiers: ClinVar variation 1484897 (VCV001484897.7), dbSNP rs1842995023, ClinGen allele CA377501493.